The following is an entry in ClinVar:

ClinVar aggregate classification (germline): Uncertain significance (1 of 4 stars; one submission).

gnomAD v4.1: 41 of 1,614,086 alleles (0.0025%); highest among the groups gnomAD compares: South Asian, 0.0066%; no homozygotes.

Submission:

Labcorp Genetics (formerly Invitae), Labcorp
Classification: Uncertain significance. Last evaluated: 2025-12-12. Review status: criteria provided, single submitter. Criteria: Invitae Variant Classification Sherloc (09022015). Collection method: clinical testing. Allele origin: germline.
Comment: This sequence change replaces asparagine, which is neutral and polar, with serine, which is neutral and polar, at codon 1130 of the DSCAML1 protein (p.Asn1130Ser). This variant is present in population databases (rs780484270, gnomAD 0.008%). This variant has not been reported in the literature in individuals affected with DSCAML1-related conditions. An algorithm developed to predict the effect of missense changes on protein structure and function (PolyPhen-2) suggests that this variant is likely to be disruptive. In summary, the available evidence is currently insufficient to determine the role of this variant in disease. Therefore, it has been classified as a Variant of Uncertain Significance.

NM_020693.4(DSCAML1):c.3209A>G (p.Asn1070Ser)

Gene: DSCAML1 (DS cell adhesion molecule like 1; minus strand). Cytogenetic location: 11q23.3.
Variant type: single nucleotide variant.
Coding change: c.3209A>G on transcript NM_020693.4 (MANE Select); coding-DNA position 3209, A replaced by G.
Protein change: p.Asn1070Ser; replaces asparagine 1070 with serine.
Molecular consequence: missense variant.
Genome position (GRCh38, 1-based): chr11:117,464,998, T>C on the plus strand (A>G on the coding strand, the complement: DSCAML1 is on the minus strand). VCF-style: chr11-117464998-T-C. GRCh37 (hg19) VCF-style: chr11-117335714-T-C.
Other names: short protein forms N1070S.
Identifiers: ClinVar variation 4752805 (VCV004752805.1).